The following is an entry in ClinVar:

NM_000321.3(RB1):c.561T>C (p.Ser187=)

Gene: RB1 (RB transcriptional corepressor 1; plus strand). Cytogenetic location: 13q14.2.
Variant type: single nucleotide variant.
Coding change: c.561T>C on transcript NM_000321.3 (MANE Select); coding-DNA position 561, T replaced by C.
Protein change: p.Ser187=; no amino-acid change (serine 187 retained).
Molecular consequence: synonymous variant.
Genome position (GRCh38, 1-based): chr13:48,348,977, T>C. VCF-style: chr13-48348977-T-C. GRCh37 (hg19) VCF-style: chr13-48923113-T-C.
Other names: c.561T>C, p.Ser187= (NM_001407165.1, NM_001407166.1).
Identifiers: ClinVar variation 3313060 (VCV003313060.4).

ClinVar aggregate classification (germline): Benign/Likely benign. Review status: criteria provided, multiple submitters, no conflicts (2 of 4 stars). 3 submissions from 3 submitters: Benign (1); Likely benign (2). Last evaluated 2026-06-23.

Conditions:
Retinoblastoma (RB1). Also called: RETINOBLASTOMA, SOMATIC. Identifiers: Orphanet 790, MedGen C0035335, MeSH D012175, MONDO:0008380, OMIM 180200, HP:0009919. Disease mechanism: loss of function. Inheritance: Both sporadic and heritable forms are tested..
Hereditary cancer-predisposing syndrome. Also called: Neoplastic Syndromes, Hereditary; Tumor predisposition; Hereditary Cancer Syndrome; Hereditary neoplastic syndrome. Identifiers: Orphanet 140162, MedGen C0027672, MeSH D009386, MONDO:0015356.

Submissions (3):

Myriad Genetics, Inc.
Classification: Benign for Retinoblastoma. Last evaluated: 2026-06-23. Review status: criteria provided, single submitter. Criteria: Myriad Autosomal Dominant, Autosomal Recessive and X-Linked Classification Criteria (2023). Collection method: clinical testing. Allele origin: unknown.
Comment: This variant is considered benign. This variant is a silent/synonymous amino acid change and it is not expected to impact splicing.

Labcorp Genetics (formerly Invitae), Labcorp
Classification: Likely benign for Retinoblastoma. Last evaluated: 2024-06-12. Review status: criteria provided, single submitter. Criteria: Invitae Variant Classification Sherloc (09022015). Collection method: clinical testing. Allele origin: germline.

Ambry Genetics
Classification: Likely benign for Hereditary cancer-predisposing syndrome. Last evaluated: 2024-05-18. Review status: criteria provided, single submitter. Criteria: Ambry Variant Classification Scheme 2023. Collection method: clinical testing. Allele origin: germline.